The following is an entry in ClinVar:

ClinVar aggregate classification (germline): Uncertain significance (1 of 4 stars; one submission).

Allele frequency attached by ClinVar (database versions not stated): TOPMed 0.00002.
gnomAD v4.1: 6 of 1,613,236 alleles (0.00037%); highest among the groups gnomAD compares: South Asian, 0.0022%; no homozygotes.

Submission:

Greenwood Genetic Center Diagnostic Laboratories, Greenwood Genetic Center
Classification: Uncertain significance. Last evaluated: 2023-06-14. Review status: criteria provided, single submitter. Criteria: ACMG Guidelines, 2015. Collection method: clinical testing. Allele origin: germline. Affected: yes.
Comment: Gene of Uncertain Significance

NM_001256012.3(MYH10):c.5362G>A (p.Asp1788Asn)

Gene: MYH10 (myosin heavy chain 10; minus strand). Cytogenetic location: 17p13.1.
Variant type: single nucleotide variant.
Coding change: c.5362G>A on transcript NM_001256012.3 (MANE Select); coding-DNA position 5362, G replaced by A.
Protein change: p.Asp1788Asn; replaces aspartic acid 1788 with asparagine.
Molecular consequence: missense variant.
Genome position (GRCh38, 1-based): chr17:8,480,428, C>T on the plus strand (G>A on the coding strand, the complement: MYH10 is on the minus strand). VCF-style: chr17-8480428-C-T. GRCh37 (hg19) VCF-style: chr17-8383746-C-T.
Other names: c.5296G>A, p.Asp1766Asn (NM_001256095.2); c.5299G>A, p.Asp1767Asn (NM_001375266.1); c.5269G>A, p.Asp1757Asn (NM_005964.5); short protein forms D1757N, D1766N, D1767N, D1788N.
Identifiers: ClinVar variation 2572272 (VCV002572272.1), dbSNP rs747780817, ClinGen allele CA398042085.